The following is an entry in ClinVar:

ClinVar aggregate classification (germline): Likely benign. Review status: criteria provided, multiple submitters, no conflicts (2 of 4 stars). 2 submissions from 2 submitters: Likely benign (2). Last evaluated 2025-10-01.

gnomAD v4.1: 7,799 of 1,614,030 alleles (0.48%); highest among the groups gnomAD compares: East Asian, 0.59%; 24 homozygotes.

Submissions (2):

CeGaT Center for Human Genetics Tuebingen
Classification: Likely benign. Last evaluated: 2025-10-01. Review status: criteria provided, single submitter. Criteria: CeGaT Center For Human Genetics Tuebingen Variant Classification Criteria Version 2. Collection method: clinical testing. Allele origin: germline. Affected: yes. Observed: 1 variant allele.
Comment: AVIL: BS2

Blueprint Genetics
Classification: Likely benign. Last evaluated: 2024-11-26. Review status: criteria provided, single submitter. Criteria: ACMG Guidelines, 2015. Collection method: clinical testing. Allele origin: germline.

NM_006576.4(AVIL):c.551G>A (p.Arg184His)

Gene: AVIL (advillin; minus strand). Cytogenetic location: 12q14.1.
Variant type: single nucleotide variant.
Coding change: c.551G>A on transcript NM_006576.4 (MANE Select); coding-DNA position 551, G replaced by A.
Protein change: p.Arg184His; replaces arginine 184 with histidine.
Molecular consequence: missense variant.
Genome position (GRCh38, 1-based): chr12:57,810,823, C>T on the plus strand (G>A on the coding strand, the complement: AVIL is on the minus strand). VCF-style: chr12-57810823-C-T. GRCh37 (hg19) VCF-style: chr12-58204606-C-T.
Other names: short protein forms R184H.
Identifiers: ClinVar variation 4533416 (VCV004533416.7).